The following is an entry in ClinVar:

NM_016239.4(MYO15A):c.7925C>T (p.Pro2642Leu)

Gene: MYO15A (myosin XVA; plus strand). Cytogenetic location: 17p11.2.
Variant type: single nucleotide variant.
Coding change: c.7925C>T on transcript NM_016239.4 (MANE Select); coding-DNA position 7925, C replaced by T.
Protein change: p.Pro2642Leu; replaces proline 2642 with leucine.
Molecular consequence: missense variant.
Genome position (GRCh38, 1-based): chr17:18,152,143, C>T. VCF-style: chr17-18152143-C-T. GRCh37 (hg19) VCF-style: chr17-18055457-C-T.
Other names: short protein forms P2642L.
Identifiers: ClinVar variation 1065058 (VCV001065058.7), dbSNP rs562914140, ClinGen allele CA8424976.
Genomic context (GRCh38, chr17:18,152,143, plus strand): 5'-CCCTGAGCAGTCTCTTTGGGGTGGGACAGGTGTCCAGAGAGGCCGTGGCCCTGGTGAAGC[C>T]GGTGACCAGTGCACCAAGGCCATCCATGGCACCCACTTCAGGTGAGAGGGCCAGGAGGGA-3'
Protein context (NP_057323.3, residues 2632-2652): VSREAVALVK[Pro2642Leu]VTSAPRPSMA

ClinVar aggregate classification (germline): Uncertain significance. Review status: criteria provided, multiple submitters, no conflicts (2 of 4 stars). 3 submissions from 3 submitters: Uncertain significance (3). Last evaluated 2026-02-24.

Conditions:
Alport syndrome. Also called: Hemorrhagic familial nephritis; Hemorrhagic hereditary nephritis; Congenital hereditary hematuria. Identifiers: Orphanet 63, MedGen C1567741, MONDO:0018965.
MYO15A-related disorder. Also called: MYO15A-related condition.

Allele frequency attached by ClinVar (database versions not stated): gnomAD exomes 0.00001 and 0.00002; gnomAD 0.00002 and 0.00003; TOPMed 0.00002.
gnomAD v4.1: 36 of 1,551,064 alleles (0.0023%); highest among the groups gnomAD compares: East Asian, 0.0098%; 1 homozygote.

Submissions (3):

PreventionGenetics, part of Exact Sciences
Classification: Uncertain significance for MYO15A-related condition. Last evaluated: 2026-02-24. Review status: criteria provided, single submitter. Criteria: ACMG Guidelines, 2015. Collection method: clinical testing. Allele origin: germline.
Comment: The MYO15A c.7925C>T variant is predicted to result in the amino acid substitution p.Pro2642Leu. To our knowledge, this variant has not been reported in the literature. This variant is reported in 0.0079% of alleles in individuals of East Asian descent in gnomAD. At this time, the clinical significance of this variant is uncertain due to the absence of conclusive functional and genetic evidence.

Labcorp Genetics (formerly Invitae), Labcorp
Classification: Uncertain significance. Last evaluated: 2025-05-12. Review status: criteria provided, single submitter. Criteria: Invitae Variant Classification Sherloc (09022015). Collection method: clinical testing. Allele origin: germline.
Comment: This sequence change replaces proline, which is neutral and non-polar, with leucine, which is neutral and non-polar, at codon 2642 of the MYO15A protein (p.Pro2642Leu). This variant is present in population databases (rs562914140, gnomAD 0.008%). This variant has not been reported in the literature in individuals affected with MYO15A-related conditions. ClinVar contains an entry for this variant (Variation ID: 1065058). Invitae Evidence Modeling of protein sequence and biophysical properties (such as structural, functional, and spatial information, amino acid conservation, physicochemical variation, residue mobility, and thermodynamic stability) has been performed for this missense variant. However, the output from this modeling did not meet the statistical confidence thresholds required to predict the impact of this variant on MYO15A protein function. In summary, the available evidence is currently insufficient to determine the role of this variant in disease. Therefore, it has been classified as a Variant of Uncertain Significance.

Department of Otolaryngology – Head & Neck Surgery, Cochlear Implant Center
Classification: Uncertain significance for Alport syndrome. Last evaluated: 2021-04-12. Review status: criteria provided, single submitter. Criteria: ClinGen HL ACMG Specifications v1. Collection method: clinical testing. Allele origin: germline. Affected: yes.
Comment: PM2_Moderate, PP3_Supporting